The following is an entry in ClinVar:

NM_000075.4(CDK4):c.*521G>A

Genes: TSPAN31 (tetraspanin 31; plus strand), CDK4 (cyclin dependent kinase 4; minus strand). Cytogenetic location: 12q14.1.
Variant type: single nucleotide variant.
Coding change: c.*521G>A on transcript NM_000075.4 (MANE Select); 521 bases downstream of the stop codon, G replaced by A.
Molecular consequence: 3 prime UTR variant.
Genome position (GRCh38, 1-based): chr12:57,748,004, C>T on the plus strand (G>A on the coding strand, the complement: CDK4 is on the minus strand). VCF-style: chr12-57748004-C-T. GRCh37 (hg19) VCF-style: chr12-58141787-C-T.
Other names: c.*714C>T (NM_001330168.2, NM_001330169.2, NM_005981.5).
Identifiers: ClinVar variation 309968 (VCV000309968.6), dbSNP rs113625101, ClinGen allele CA10642099.
Genomic context (GRCh38, chr12:57,748,004, plus strand): 5'-GTTAGTCAGGCTGGTCTCGAACTCCTGACCTCAGGTGATCCACCCGCGTTGGCCTCCCAA[C>T]GTGCTGGGATTATAGGCGTGAGCCACCACGCCCCGCCTAAAATCCATATTCAAAGAAGCA-3'

ClinVar aggregate classification (germline): Benign. Review status: criteria provided, multiple submitters, no conflicts (2 of 4 stars). 2 submissions from 2 submitters: Benign (2). Last evaluated 2018-01-13.

Conditions:
Melanoma, cutaneous malignant, susceptibility to, 3. Also called: Cutaneous malignant melanoma 3. Identifiers: Orphanet 618, MedGen C1836892, MONDO:0012183, OMIM 609048.

Allele frequency attached by ClinVar (database versions not stated): 1000 Genomes Project 0.01657; 1000 Genomes Project 30x 0.01811; gnomAD 0.03326 and 0.03374; TOPMed 0.03351.
gnomAD v4.1: 7,891 of 224,196 alleles (3.5%); highest among the groups gnomAD compares: Middle Eastern, 8.7%; 194 homozygotes.

Submissions (2):

Illumina Laboratory Services, Illumina
Classification: Benign for Melanoma, cutaneous malignant, susceptibility to, 3. Last evaluated: 2018-01-13. Review status: criteria provided, single submitter. Criteria: ICSL Variant Classification Criteria 13 December 2019. Collection method: clinical testing. Allele origin: germline.
Comment: This variant was observed in the ICSL laboratory as part of a predisposition screen in an ostensibly healthy population. It had not been previously curated by ICSL or reported in the Human Gene Mutation Database (HGMD: prior to June 1st, 2018), and was therefore a candidate for classification through an automated scoring system. Utilizing variant allele frequency, disease prevalence and penetrance estimates, and inheritance mode, an automated score was calculated to assess if this variant is too frequent to cause the disease. Based on the score and internal cut-off values, a variant classified as benign is not then subjected to further curation. The score for this variant resulted in a classification of benign for this disease.

Breakthrough Genomics
Classification: Benign. Review status: criteria provided, single submitter. Criteria: ACMG Guidelines, 2015. Collection method: not provided. Allele origin: germline. Inheritance: Autosomal dominant inheritance. Affected: yes.